The following is an entry in ClinVar:

ClinVar aggregate classification (germline): Conflicting classifications of pathogenicity. Review status: criteria provided, conflicting classifications (1 of 4 stars). 9 submissions from 9 submitters: Uncertain significance (2); Likely benign (7). Last evaluated 2026-02-04.

Conditions:
Biotin-responsive basal ganglia disease (BTBGD). Also called: Thiamine metabolism dysfunction syndrome type 2; Thiamine Transporter-2 Deficiency; Thiamine metabolism dysfunction syndrome 2 (biotin- or thiamine-responsive encephalopathy type 2); thiamine-responsive encephalopathy; THIAMINE METABOLISM DYSFUNCTION SYNDROME 2 (BIOTIN- AND THIAMINE-RESPONSIVE TYPE). Identifiers: Orphanet 199348, Orphanet 65284, MedGen C1843807, MONDO:0011841, OMIM 607483.

Allele frequency attached by ClinVar (database versions not stated): TOPMed 0.00051; ESP Exome Variant Server 0.00085.
gnomAD v4.1: 1,217 of 1,614,040 alleles (0.075%); highest among the groups gnomAD compares: Non-Finnish European, 0.096%; no homozygotes.

Submissions (9):

Labcorp Genetics (formerly Invitae), Labcorp
Classification: Likely benign for Biotin-responsive basal ganglia disease. Last evaluated: 2026-02-04. Review status: criteria provided, single submitter. Criteria: Invitae Variant Classification Sherloc (09022015). Collection method: clinical testing. Allele origin: germline.

CeGaT Center for Human Genetics Tuebingen
Classification: Likely benign. Last evaluated: 2025-06-01. Review status: criteria provided, single submitter. Criteria: CeGaT Center For Human Genetics Tuebingen Variant Classification Criteria Version 2. Collection method: clinical testing. Allele origin: germline. Affected: yes. Observed: 6 variant alleles.
Comment: SLC19A3: BP4, BP7

ARUP Laboratories, Molecular Genetics and Genomics, ARUP Laboratories
Classification: Likely benign for Biotin-responsive basal ganglia disease. Last evaluated: 2025-03-31. Review status: criteria provided, single submitter. Criteria: ARUP Molecular Germline Variant Investigation Process 2024. Collection method: clinical testing. Allele origin: germline.

Blueprint Genetics
Classification: Likely benign. Last evaluated: 2024-11-20. Review status: criteria provided, single submitter. Criteria: ACMG Guidelines, 2015. Collection method: clinical testing. Allele origin: germline.

Center for Genomics, Ann and Robert H. Lurie Children's Hospital of Chicago
Classification: Likely benign for Biotin-responsive basal ganglia disease. Last evaluated: 2022-05-18. Review status: criteria provided, single submitter. Criteria: ACMG Guidelines, 2015. Collection method: clinical testing. Allele origin: germline.
Comment: This variant has not been reported in the literature but is present in the Genome Aggregation Database (Highest reported MAF 0.07% (51/68024). This variant is present in ClinVar, with several labs classifying this variant as Likely benign (Variation ID:290414). Evolutionary conservation and computational predictive tools for this variant are limited or unavailable. Of note, this variant is a silent variant and does not change the amino acid, reducing the probability that this variant is disease causing. In summary, data on this variant suggests that this variant does not cause disease but requires further evidence. Therefore, this variant is classified as likely benign.

GeneDx
Classification: Likely benign. Last evaluated: 2021-05-27. Review status: criteria provided, single submitter. Criteria: GeneDx Variant Classification Process June 2021. Collection method: clinical testing. Allele origin: germline. Affected: yes.

Illumina Laboratory Services, Illumina
Classification: Uncertain significance for Biotin-responsive basal ganglia disease. Last evaluated: 2018-01-12. Review status: criteria provided, single submitter. Criteria: ICSL Variant Classification Criteria 13 December 2019. Collection method: clinical testing. Allele origin: germline.

Athena Diagnostics
Classification: Likely benign. Last evaluated: 2017-06-14. Review status: criteria provided, single submitter. Criteria: Athena Diagnostics Criteria. Collection method: clinical testing. Allele origin: germline.

Eurofins Ntd Llc (ga)
Classification: Uncertain significance. Last evaluated: 2016-09-20. Review status: criteria provided, single submitter. Criteria: EGL Classification Definitions 2015. Collection method: clinical testing. Allele origin: germline. Observed: 1 variant allele, 1 heterozygote.

NM_025243.4(SLC19A3):c.399C>G (p.Pro133=)

Gene: SLC19A3 (solute carrier family 19 member 3; minus strand). Cytogenetic location: 2q36.3.
Variant type: single nucleotide variant.
Coding change: c.399C>G on transcript NM_025243.4 (MANE Select); coding-DNA position 399, C replaced by G.
Protein change: p.Pro133=; no amino-acid change (proline 133 retained).
Molecular consequence: synonymous variant.
Genome position (GRCh38, 1-based): chr2:227,699,316, G>C on the plus strand (C>G on the coding strand, the complement: SLC19A3 is on the minus strand). VCF-style: chr2-227699316-G-C. GRCh37 (hg19) VCF-style: chr2-228564032-G-C.
Identifiers: ClinVar variation 290414 (VCV000290414.53), dbSNP rs138363524, ClinGen allele CA2149306.